The following is an entry in ClinVar:

ClinVar aggregate classification (germline): Uncertain significance (1 of 4 stars; one submission).

Submission:

GeneDx
Classification: Uncertain significance. Last evaluated: 2024-03-11. Review status: criteria provided, single submitter. Criteria: GeneDx Variant Classification Process June 2021. Collection method: clinical testing. Allele origin: germline. Affected: yes.
Comment: Not observed at significant frequency in large population cohorts (gnomAD); In-frame deletion of two amino acids in a non-repeat region; In silico analysis supports that this variant does not alter protein structure/function; Has not been previously published as pathogenic or benign to our knowledge

NM_182641.4(BPTF):c.4207_4212del (p.Ser1403_Thr1404del)

Gene: BPTF (bromodomain PHD finger transcription factor; plus strand). Cytogenetic location: 17q24.2.
Variant type: Deletion.
Coding change: c.4207_4212del on transcript NM_182641.4 (MANE Select); coding-DNA positions 4207 to 4212, 6 bases deleted (AGTACA; older notation c.4207_4212delAGTACA).
Protein change: p.Ser1403_Thr1404del.
Genome position (GRCh38, 1-based): chr17:67,912,091-67,912,096, AGTACA deleted; deleting any 6 consecutive bases within chr17:67,912,088-67,912,096 gives the same sequence; the c. name uses the placement nearest the transcript's 3' end. VCF-style (leftmost placement, unchanged base first): chr17-67912087-AACAAGT-A. GRCh37 (hg19) VCF-style: chr17-65908203-AACAAGT-A.
Other names: c.4585_4590del, p.Ser1529_Thr1530del (NM_004459.7).
Identifiers: ClinVar variation 3370607 (VCV003370607.1).